The following is an entry in ClinVar:

NM_024675.4(PALB2):c.1628A>C (p.Lys543Thr)

Gene: PALB2 (partner and localizer of BRCA2; minus strand). Cytogenetic location: 16p12.2.
Variant type: single nucleotide variant.
Coding change: c.1628A>C on transcript NM_024675.4 (MANE Select); coding-DNA position 1628, A replaced by C.
Protein change: p.Lys543Thr; replaces lysine 543 with threonine.
Molecular consequence: missense variant.
Genome position (GRCh38, 1-based): chr16:23,634,918, T>G on the plus strand (A>C on the coding strand, the complement: PALB2 is on the minus strand). VCF-style: chr16-23634918-T-G. GRCh37 (hg19) VCF-style: chr16-23646239-T-G.
Other names: short protein forms K543T.
Identifiers: ClinVar variation 460903 (VCV000460903.11), dbSNP rs370468259, ClinGen allele CA395130294.

ClinVar aggregate classification (germline): Conflicting classifications of pathogenicity. Review status: criteria provided, conflicting classifications (1 of 4 stars). 3 submissions from 3 submitters: Uncertain significance (2); Likely benign (1). Last evaluated 2026-05-10.

Conditions:
Hereditary cancer-predisposing syndrome. Also called: Hereditary Cancer Syndrome; Tumor predisposition; Hereditary neoplastic syndrome; Neoplastic Syndromes, Hereditary. Identifiers: Orphanet 140162, MedGen C0027672, MeSH D009386, MONDO:0015356.
Familial cancer of breast. Also called: Hereditary breast cancer; BREAST CANCER, FAMILIAL; hereditary breast carcinoma. Identifiers: Orphanet 227535, MedGen C0346153, MONDO:0016419, OMIM 114480. Disease mechanism: loss of function.
Pancreatic cancer, susceptibility to, 3. Identifiers: Orphanet 1333, MedGen C3150547, MONDO:0013236, OMIM 613348.
Fanconi anemia complementation group N. Also called: PALB2-Related Fanconi Anemia. Identifiers: Orphanet 84, MedGen C1835817, MONDO:0012565, OMIM 610832. Disease mechanism: loss of function.

Allele frequency attached by ClinVar (database versions not stated): gnomAD exomes below 0.00001 and 0.00001.
gnomAD v4.1: 2 of 1,614,208 alleles (0.00012%); highest among the groups gnomAD compares: Admixed American, 0.0033%; no homozygotes.

Submissions (3):

Ambry Genetics
Classification: Likely benign for Hereditary cancer-predisposing syndrome. Last evaluated: 2026-05-10. Review status: criteria provided, single submitter. Criteria: Ambry Variant Classification Scheme 2023. Collection method: clinical testing. Allele origin: germline.

Labcorp Genetics (formerly Invitae), Labcorp
Classification: Uncertain significance for Familial cancer of breast. Last evaluated: 2024-06-05. Review status: criteria provided, single submitter. Criteria: Invitae Variant Classification Sherloc (09022015). Collection method: clinical testing. Allele origin: germline.
Comment: This sequence change replaces lysine, which is basic and polar, with threonine, which is neutral and polar, at codon 543 of the PALB2 protein (p.Lys543Thr). This variant is present in population databases (no rsID available, gnomAD 0.006%). This variant has not been reported in the literature in individuals affected with PALB2-related conditions. ClinVar contains an entry for this variant (Variation ID: 460903). Advanced modeling of protein sequence and biophysical properties (such as structural, functional, and spatial information, amino acid conservation, physicochemical variation, residue mobility, and thermodynamic stability) performed at Invitae indicates that this missense variant is not expected to disrupt PALB2 protein function with a negative predictive value of 80%. In summary, the available evidence is currently insufficient to determine the role of this variant in disease. Therefore, it has been classified as a Variant of Uncertain Significance.

Fulgent Genetics
Classification: Uncertain significance for Familial cancer of breast; Fanconi anemia complementation group N; Pancreatic cancer, susceptibility to, 3. Last evaluated: 2021-10-26. Review status: criteria provided, single submitter. Criteria: ACMG Guidelines, 2015. Collection method: clinical testing. Allele origin: unknown.